The following is an entry in ClinVar:

NM_001166108.2(PALLD):c.699G>C (p.Glu233Asp)

Gene: PALLD (palladin, cytoskeletal associated protein; plus strand). Cytogenetic location: 4q32.3.
Variant type: single nucleotide variant.
Coding change: c.699G>C on transcript NM_001166108.2 (MANE Select); coding-DNA position 699, G replaced by C.
Protein change: p.Glu233Asp; replaces glutamic acid 233 with aspartic acid.
Molecular consequence: missense variant.
Genome position (GRCh38, 1-based): chr4:168,512,203, G>C. VCF-style: chr4-168512203-G-C. GRCh37 (hg19) VCF-style: chr4-169433354-G-C.
Other names: c.699G>C, p.Glu233Asp (NM_016081.4); short protein forms E233D.
Identifiers: ClinVar variation 2622970 (VCV002622970.2), dbSNP rs1055673437, ClinGen allele CA109883646.

ClinVar aggregate classification (germline): Uncertain significance (1 of 4 stars; one submission).

Allele frequency attached by ClinVar (database versions not stated): TOPMed 0.00001.

Submission:

Ambry Genetics
Classification: Uncertain significance. Last evaluated: 2023-08-30. Review status: criteria provided, single submitter. Criteria: Ambry Variant Classification Scheme 2023. Collection method: clinical testing. Allele origin: germline.
Comment: The p.E233D variant (also known as c.699G>C), located in coding exon 1 of the PALLD gene, results from a G to C substitution at nucleotide position 699. The glutamic acid at codon 233 is replaced by aspartic acid, an amino acid with highly similar properties. This amino acid position is conserved. In addition, this alteration is predicted to be tolerated by in silico analysis. Since supporting evidence is limited at this time, the clinical significance of this alteration remains unclear.